The following is an entry in ClinVar:

ClinVar aggregate classification (germline): Pathogenic (1 of 4 stars; one submission).

Conditions:
Hereditary spastic paraplegia 4. Also called: Spastic Paraplegia 4; Spastic paraplegia 4, autosomal dominant; Familial spastic paraplegia autosomal dominant 2. Identifiers: Orphanet 100985, MedGen C1866855, MONDO:0008438, OMIM 182601.

Submission:

Victorian Clinical Genetics Services, Murdoch Childrens Research Institute
Classification: Pathogenic for Hereditary spastic paraplegia 4. Last evaluated: 2025-04-29. Review status: criteria provided, single submitter. Criteria: ACMG Guidelines, 2015. Collection method: clinical testing. Allele origin: germline. Affected: yes.
Comment: This variant is classified as Pathogenic. Evidence in support of pathogenic classification: Canonical splice site variant without proven consequence on splicing (no functional evidence available); Variant is absent from gnomAD (v2, v3 and v4); This variant has limited previous evidence of pathogenicity in an unrelated individual(s). This variant has been reported in the literature in an individual diagnosed with spastic paraplegia (PMID: 38883204). - Other splice site variant(s) comparable to the one identified in this case have very strong previous evidence for pathogenicity. c.1617-2A>G, c.1617-2A>T, c.1617-1G>T and c.1617-1G>A have all been classified as pathogenic by clinical laboratories in ClinVar; Abnormal splicing is predicted by in silico tool and affected nucleotide is highly conserved. Additional information: This variant is heterozygous; This gene is associated with autosomal dominant disease; No published segregation evidence has been identified for this variant; No published functional evidence has been identified for this variant; Dominant negative and loss of function are known mechanisms of disease in this gene and are associated with spastic paraplegia 4 (MIM#182601). Multiple loss of function variants have been reported, while a dominant negative mechanism has been stipulated for a small number of missense variants (ClinVar; PMID: 30006150); The condition associated with this gene has incomplete penetrance, but this is age-dependent and only a small proportion of individuals remain asymptomatic (PMID: 30476002); Variants in this gene are known to have variable expressivity, with variable age of onset and disease severity (PMID: 30476002); Inheritance information for this variant is not currently available in this individual.

Literature cited by the submitters: PubMed 30006150; PubMed 38883204; PubMed 30476002.

NM_014946.4(SPAST):c.1617-2A>C

Gene: SPAST (spastin; plus strand). Cytogenetic location: 2p22.3.
Variant type: single nucleotide variant.
Coding change: c.1617-2A>C on transcript NM_014946.4 (MANE Select); the canonical splice acceptor site of the intron before coding-DNA position 1617, A replaced by C.
Molecular consequence: splice acceptor variant. On other transcripts: intron variant (1).
Genome position (GRCh38, 1-based): chr2:32,144,935, A>C. VCF-style: chr2-32144935-A-C. GRCh37 (hg19) VCF-style: chr2-32370004-A-C.
Other names: c.1521-2A>C (NM_199436.2); c.1520+1520A>C (NM_001377959.1); c.1614-2A>C (NM_001363823.2); c.1518-2A>C (NM_001363875.2).
Identifiers: ClinVar variation 4531860 (VCV004531860.1).